The following is an entry in ClinVar:

ClinVar aggregate classification (germline): Uncertain significance (1 of 4 stars; one submission).

gnomAD v4.1: 3 of 1,210,823 alleles (0.00025%); highest among the groups gnomAD compares: Non-Finnish European, 0.00034%; no homozygotes.

Submission:

CeGaT Center for Human Genetics Tuebingen
Classification: Uncertain significance. Last evaluated: 2023-01-01. Review status: criteria provided, single submitter. Criteria: CeGaT Center For Human Genetics Tuebingen Variant Classification Criteria Version 2. Collection method: clinical testing. Allele origin: germline. Affected: yes. Observed: 1 variant allele.
Comment: DMD: PM2, BP4

NM_004006.3(DMD):c.5713G>C (p.Glu1905Gln)

Gene: DMD (dystrophin; minus strand). Cytogenetic location: Xp21.1.
Variant type: single nucleotide variant.
Coding change: c.5713G>C on transcript NM_004006.3 (MANE Select); coding-DNA position 5713, G replaced by C.
Protein change: p.Glu1905Gln; replaces glutamic acid 1905 with glutamine.
Molecular consequence: missense variant.
Genome position (GRCh38, 1-based): chrX:32,343,160, C>G on the plus strand (G>C on the coding strand, the complement: DMD is on the minus strand). VCF-style: chrX-32343160-C-G. GRCh37 (hg19) VCF-style: chrX-32361277-C-G.
Other names: c.5689G>C, p.Glu1897Gln (NM_000109.4); c.5701G>C, p.Glu1901Gln (NM_004009.3); c.5344G>C, p.Glu1782Gln (NM_004010.3); c.1690G>C, p.Glu564Gln (NM_004011.4); c.1681G>C, p.Glu561Gln (NM_004012.4); short protein forms E1782Q, E1897Q, E1901Q, E1905Q, E561Q, E564Q.
Identifiers: ClinVar variation 2660244 (VCV002660244.24), dbSNP rs1557291003, ClinGen allele CA412665673.